The following is an entry in ClinVar:

ClinVar aggregate classification (germline): Benign. Review status: criteria provided, multiple submitters, no conflicts (2 of 4 stars). 11 submissions from 8 submitters: Benign (11). Last evaluated 2026-02-04.

Conditions:
Cutis laxa, autosomal dominant 3 (ADCL3). Identifiers: Orphanet 90348, MedGen C4225268, MONDO:0014706, OMIM 616603.
Hereditary spastic paraplegia 9A. Also called: CATARACTS WITH MOTOR NEURONOPATHY, SHORT STATURE, AND SKELETAL ABNORMALITIES; SPASTIC PARAPLEGIA 9A, AUTOSOMAL DOMINANT; SPASTIC PARAPARESIS WITH AMYOTROPHY, CATARACTS, AND GASTROESOPHAGEAL REFLUX. Identifiers: Orphanet 100990, Orphanet 447753, MedGen C5568978, MONDO:0011006, OMIM 601162.
Autosomal recessive complex spastic paraplegia type 9B. Also called: Spastic paraplegia 9b, autosomal recessive. Identifiers: Orphanet 447760, MedGen C5568980, MONDO:0014702, OMIM 616586.
ALDH18A1-related de Barsy syndrome. Also called: Cutis laxa, autosomal recessive IIIA; DE BARSY SYNDROME A. Identifiers: Orphanet 2962, Orphanet 35664, MedGen C5234852, MONDO:0009053, OMIM 219150.
Autosomal dominant spastic paraplegia type 9. Identifiers: MedGen C1832669, MONDO:0015091.
de Barsy syndrome. Also called: Cutis laxa-corneal clouding-oligophrenia syndrome. Identifiers: Orphanet 2962, MedGen C0268354, MONDO:0017569.

Allele frequency attached by ClinVar (database versions not stated): 1000 Genomes Project 30x 0.07042; 1000 Genomes Project 0.07169; TOPMed 0.09625; ESP Exome Variant Server 0.10118; gnomAD 0.10129 and 0.10214; ExAC 0.10300; gnomAD exomes 0.10515 and 0.11858.
gnomAD v4.1: 188,653 of 1,613,818 alleles (12%); highest among the groups gnomAD compares: Middle Eastern, 17%; 11,755 homozygotes.

Submissions (11):

Labcorp Genetics (formerly Invitae), Labcorp
Classification: Benign for Autosomal dominant spastic paraplegia type 9; de Barsy syndrome; Cutis laxa, autosomal dominant 3. Last evaluated: 2026-02-04. Review status: criteria provided, single submitter. Criteria: Invitae Variant Classification Sherloc (09022015). Collection method: clinical testing. Allele origin: germline.

Blueprint Genetics
Classification: Benign. Last evaluated: 2024-11-27. Review status: criteria provided, single submitter. Criteria: ACMG Guidelines, 2015. Collection method: clinical testing. Allele origin: germline.

Mayo Clinic Laboratories, Mayo Clinic
Classification: Benign. Last evaluated: 2022-03-24. Review status: criteria provided, single submitter. Criteria: ACMG Guidelines, 2015. Collection method: clinical testing. Allele origin: germline. Observed: 264 variant alleles.

Genome-Nilou Lab
Classification: Benign for Cutis laxa, autosomal dominant 3. Last evaluated: 2021-07-14. Review status: criteria provided, single submitter. Criteria: ACMG Guidelines, 2015. Collection method: clinical testing. Allele origin: germline. Affected: no.

Genome-Nilou Lab
Classification: Benign for ALDH18A1-related de Barsy syndrome. Last evaluated: 2021-07-14. Review status: criteria provided, single submitter. Criteria: ACMG Guidelines, 2015. Collection method: clinical testing. Allele origin: germline. Affected: no.

Genome-Nilou Lab
Classification: Benign for Hereditary spastic paraplegia 9A. Last evaluated: 2021-07-14. Review status: criteria provided, single submitter. Criteria: ACMG Guidelines, 2015. Collection method: clinical testing. Allele origin: germline. Affected: no.

Genome-Nilou Lab
Classification: Benign for Autosomal recessive complex spastic paraplegia type 9B. Last evaluated: 2021-07-14. Review status: criteria provided, single submitter. Criteria: ACMG Guidelines, 2015. Collection method: clinical testing. Allele origin: germline. Affected: no.

Illumina Laboratory Services, Illumina
Classification: Benign for ALDH18A1-related de Barsy syndrome. Last evaluated: 2018-01-13. Review status: criteria provided, single submitter. Criteria: ICSL Variant Classification Criteria 13 December 2019. Collection method: clinical testing. Allele origin: germline.
Comment: This variant was observed in the ICSL laboratory as part of a predisposition screen in an ostensibly healthy population. It had not been previously curated by ICSL or reported in the Human Gene Mutation Database (HGMD: prior to June 1st, 2018), and was therefore a candidate for classification through an automated scoring system. Utilizing variant allele frequency, disease prevalence and penetrance estimates, and inheritance mode, an automated score was calculated to assess if this variant is too frequent to cause the disease. Based on the score and internal cut-off values, a variant classified as benign is not then subjected to further curation. The score for this variant resulted in a classification of benign for this disease.

GeneDx
Classification: Benign. Last evaluated: 2016-10-03. Review status: criteria provided, single submitter. Criteria: GeneDx Variant Classification (06012015). Collection method: clinical testing. Allele origin: germline. Affected: yes.
Comment: This variant is considered likely benign or benign based on one or more of the following criteria: it is a conservative change, it occurs at a poorly conserved position in the protein, it is predicted to be benign by multiple in silico algorithms, and/or has population frequency not consistent with disease.

Breakthrough Genomics
Classification: Benign. Review status: criteria provided, single submitter. Criteria: ACMG Guidelines, 2015. Collection method: not provided. Allele origin: germline. Inheritance: Autosomal recessive inheritance. Affected: yes.

PreventionGenetics, part of Exact Sciences
Classification: Benign. Review status: criteria provided, single submitter. Criteria: ACMG Guidelines, 2015. Collection method: clinical testing. Allele origin: germline.

NM_002860.4(ALDH18A1):c.896C>T (p.Thr299Ile)

Gene: ALDH18A1 (aldehyde dehydrogenase 18 family member A1; minus strand). Cytogenetic location: 10q24.1.
Variant type: single nucleotide variant.
Coding change: c.896C>T on transcript NM_002860.4 (MANE Select); coding-DNA position 896, C replaced by T.
Protein change: p.Thr299Ile; replaces threonine 299 with isoleucine.
Molecular consequence: missense variant.
Genome position (GRCh38, 1-based): chr10:95,628,405, G>A on the plus strand (C>T on the coding strand, the complement: ALDH18A1 is on the minus strand). VCF-style: chr10-95628405-G-A. GRCh37 (hg19) VCF-style: chr10-97388162-G-A.
Other names: c.890C>T, p.Thr297Ile (NM_001017423.2, NM_001323415.2); c.563C>T, p.Thr188Ile (NM_001323412.2, NM_001323416.2); c.896C>T, p.Thr299Ile (NM_001323413.2, NM_001323414.2); c.791C>T, p.Thr264Ile (NM_001323417.2); c.557C>T, p.Thr186Ile (NM_001323418.2); c.260C>T, p.Thr87Ile (NM_001323419.2); short protein forms T299I, T186I, T188I, T297I, T87I, T264I.
Identifiers: ClinVar variation 258827 (VCV000258827.21), dbSNP rs2275272, ClinGen allele CA5620483.